The following is an entry in ClinVar:

NM_001082486.2(ACD):c.203G>T (p.Arg68Leu)

Gene: ACD (ACD shelterin complex subunit and telomerase recruitment factor; minus strand). Cytogenetic location: 16q22.1.
Variant type: single nucleotide variant.
Coding change: c.203G>T on transcript NM_001082486.2 (MANE Select); coding-DNA position 203, G replaced by T.
Protein change: p.Arg68Leu; replaces arginine 68 with leucine.
Molecular consequence: missense variant.
Genome position (GRCh38, 1-based): chr16:67,659,942, C>A on the plus strand (G>T on the coding strand, the complement: ACD is on the minus strand). VCF-style: chr16-67659942-C-A. GRCh37 (hg19) VCF-style: chr16-67693845-C-A.
Other names: c.203G>T, p.Arg68Leu (NM_001410884.1); c.194G>T, p.Arg65Leu (NM_022914.3); short protein forms R65L, R68L.
Identifiers: ClinVar variation 1741954 (VCV001741954.4), dbSNP rs2543610163, ClinGen allele CA396356627.

ClinVar aggregate classification (germline): Uncertain significance. Review status: criteria provided, multiple submitters, no conflicts (2 of 4 stars). 2 submissions from 2 submitters: Uncertain significance (2). Last evaluated 2024-06-08.

Conditions:
Dyskeratosis congenita, autosomal dominant 6 (DKCA6). Identifiers: Orphanet 3322, MedGen C4225284, MONDO:0014690, OMIM 616553.
Inborn genetic diseases. Identifiers: MedGen C0950123, MeSH D030342.

Submissions (2):

Labcorp Genetics (formerly Invitae), Labcorp
Classification: Uncertain significance for Dyskeratosis congenita, autosomal dominant 6. Last evaluated: 2024-06-08. Review status: criteria provided, single submitter. Criteria: Invitae Variant Classification Sherloc (09022015). Collection method: clinical testing. Allele origin: germline.
Comment: This sequence change replaces arginine, which is basic and polar, with leucine, which is neutral and non-polar, at codon 154 of the ACD protein (p.Arg154Leu). This variant is not present in population databases (gnomAD no frequency). This variant has not been reported in the literature in individuals affected with ACD-related conditions. ClinVar contains an entry for this variant (Variation ID: 1741954). Advanced modeling of protein sequence and biophysical properties (such as structural, functional, and spatial information, amino acid conservation, physicochemical variation, residue mobility, and thermodynamic stability) performed at Invitae indicates that this missense variant is expected to disrupt ACD protein function with a positive predictive value of 80%. In summary, the available evidence is currently insufficient to determine the role of this variant in disease. Therefore, it has been classified as a Variant of Uncertain Significance.

Ambry Genetics
Classification: Uncertain significance for Inborn genetic diseases. Last evaluated: 2022-08-22. Review status: criteria provided, single submitter. Criteria: Ambry Variant Classification Scheme 2023. Collection method: clinical testing. Allele origin: germline.
Comment: The p.R154L variant (also known as c.461G>T), located in coding exon 2 of the ACD gene, results from a G to T substitution at nucleotide position 461. The arginine at codon 154 is replaced by leucine, an amino acid with dissimilar properties. This amino acid position is conserved. In addition, the in silico prediction for this alteration is inconclusive. Since supporting evidence is limited at this time, the clinical significance of this alteration remains unclear.